The following is an entry in ClinVar:

ClinVar aggregate classification (germline): Uncertain significance (1 of 4 stars; one submission).

Conditions:
Hereditary cancer-predisposing syndrome. Also called: Hereditary Cancer Syndrome; Hereditary neoplastic syndrome; Tumor predisposition; Neoplastic Syndromes, Hereditary. Identifiers: Orphanet 140162, MedGen C0027672, MeSH D009386, MONDO:0015356.
Cardiovascular phenotype. Identifiers: MedGen CN230736.

Submission:

Ambry Genetics
Classification: Uncertain significance for Cardiovascular phenotype; Hereditary cancer-predisposing syndrome. Last evaluated: 2024-11-24. Review status: criteria provided, single submitter. Criteria: Ambry Variant Classification Scheme 2023. Collection method: clinical testing. Allele origin: germline.
Comment: The p.K77N variant (also known as c.231A>C), located in coding exon 2 of the LZTR1 gene, results from an A to C substitution at nucleotide position 231. The lysine at codon 77 is replaced by asparagine, an amino acid with similar properties. This amino acid position is conserved. In addition, this alteration is predicted to be tolerated by in silico analysis. Based on the available evidence, the clinical significance of this variant remains unclear.

NM_006767.4(LZTR1):c.231A>C (p.Lys77Asn)

Gene: LZTR1 (leucine zipper like post translational regulator 1; plus strand). Cytogenetic location: 22q11.21.
Variant type: single nucleotide variant.
Coding change: c.231A>C on transcript NM_006767.4 (MANE Select); coding-DNA position 231, A replaced by C.
Protein change: p.Lys77Asn; replaces lysine 77 with asparagine.
Molecular consequence: missense variant.
Genome position (GRCh38, 1-based): chr22:20,983,057, A>C. VCF-style: chr22-20983057-A-C. GRCh37 (hg19) VCF-style: chr22-21337346-A-C.
Other names: short protein forms K77N.
Identifiers: ClinVar variation 3541720 (VCV003541720.1).